The following is an entry in ClinVar:

ClinVar aggregate classification (germline): Pathogenic. Review status: criteria provided, multiple submitters, no conflicts (2 of 4 stars). 2 submissions from 2 submitters: Pathogenic (2). Last evaluated 2024-06-12.

Conditions:
Wilson disease (WND). Also called: Wilson's disease. Identifiers: Orphanet 905, MedGen C0019202, MONDO:0010200, OMIM 277900. Disease mechanism: loss of function.

Allele frequency attached by ClinVar (database versions not stated): gnomAD exomes below 0.00001.
gnomAD v4.1: 1 of 1,614,154 alleles (0.000062%); highest among the groups gnomAD compares: Non-Finnish European, 0.000085%; no homozygotes.

Submissions (2):

Fulgent Genetics
Classification: Pathogenic for Wilson disease. Last evaluated: 2024-06-12. Review status: criteria provided, single submitter. Criteria: ACMG Guidelines, 2015. Collection method: clinical testing. Allele origin: germline.

Laboratory for Molecular Medicine, Mass General Brigham Personalized Medicine
Classification: Pathogenic for Wilson disease. Last evaluated: 2020-06-11. Review status: criteria provided, single submitter. Criteria: ACMG Guidelines, 2015. Collection method: clinical testing. Allele origin: germline.
Comment: The p.Tyr301X variant in ATP7B has been previously reported in 2 individuals with Wilson disease who were compound heterozygous for a second pathogenic variant (Coffey 2013) and was absent from large population studies. This nonsense variant leads to a premature termination codon at position 301, which is predicted to lead to a truncated or absent protein. Loss of function of the ATP7B gene is an established disease mechanism in autosomal recessive Wilson disease. In summary, this variant meets criteria to be classified as pathogenic for autosomal recessive Wilson disease. ACMG/AMP Criteria applied: PVS1, PM2, PM3, PP4.

Literature cited by the submitters: PubMed 23518715 (cited by Laboratory for Molecular Medicine, Mass General Brigham Personalized Medicine).

NM_000053.4(ATP7B):c.903T>A (p.Tyr301Ter)

Gene: ATP7B (ATPase copper transporting beta; minus strand). Cytogenetic location: 13q14.3.
Variant type: single nucleotide variant.
Coding change: c.903T>A on transcript NM_000053.4 (MANE Select); coding-DNA position 903, T replaced by A.
Protein change: p.Tyr301Ter; replaces tyrosine 301 with a stop codon.
Molecular consequence: nonsense. On other transcripts: intron variant (2).
Genome position (GRCh38, 1-based): chr13:51,974,317, A>T on the plus strand (T>A on the coding strand, the complement: ATP7B is on the minus strand). VCF-style: chr13-51974317-A-T. GRCh37 (hg19) VCF-style: chr13-52548453-A-T.
Other names: c.807T>A, p.Tyr269Ter (NM_001406517.1, NM_001406518.1, NM_001406530.1 and 3 more transcripts); c.903T>A, p.Tyr301Ter (NM_001406519.1, NM_001406520.1, NM_001406521.1 and 29 more transcripts); c.802+101T>A (NM_001243182.2); c.706+101T>A (NM_001406539.1); short protein forms Y269*, Y301*.
Identifiers: ClinVar variation 3075809 (VCV003075809.2), dbSNP rs942967963, ClinGen allele CA388040500.
Genomic context (GRCh38, chr13:51,974,317, plus strand): 5'-CCCAGGTGGAAGTGCCTCGATAGCCCTCTGCAGAGCCACTGGGCTGGTACAAGAAGGGTC[A>T]TACTTTACTTGGGCAGTTTTGTTCTCCAAGGACACTTGAATACTTTGAACCCCTAGGAGC-3'